The following is an entry in ClinVar:

ClinVar aggregate classification (germline): Uncertain significance (1 of 4 stars; one submission).

Conditions:
Joubert syndrome 21 (JBTS21). Identifiers: MedGen C3810212, MONDO:0014288, OMIM 615636.

Allele frequency attached by ClinVar (database versions not stated): gnomAD exomes below 0.00001; gnomAD 0.00001; TOPMed 0.00001.
gnomAD v4.1: 2 of 1,597,536 alleles (0.00013%); highest among the groups gnomAD compares: African/African-American, 0.0027%; no homozygotes.

Submission:

Labcorp Genetics (formerly Invitae), Labcorp
Classification: Uncertain significance for Joubert syndrome 21. Last evaluated: 2022-07-06. Review status: criteria provided, single submitter. Criteria: Invitae Variant Classification Sherloc (09022015). Collection method: clinical testing. Allele origin: germline.
Comment: In summary, the available evidence is currently insufficient to determine the role of this variant in disease. Therefore, it has been classified as a Variant of Uncertain Significance. Algorithms developed to predict the effect of missense changes on protein structure and function are either unavailable or do not agree on the potential impact of this missense change (SIFT: "Deleterious"; PolyPhen-2: "Possibly Damaging"; Align-GVGD: "Class C0"). ClinVar contains an entry for this variant (Variation ID: 940339). This variant has not been reported in the literature in individuals affected with CSPP1-related conditions. This variant is present in population databases (no rsID available, gnomAD 0.01%). This sequence change replaces arginine, which is basic and polar, with glycine, which is neutral and non-polar, at codon 631 of the CSPP1 protein (p.Arg631Gly).

NM_001382391.1(CSPP1):c.1906A>G (p.Arg636Gly)

Gene: CSPP1 (centrosome and spindle pole associated protein 1; plus strand). Cytogenetic location: 8q13.2.
Variant type: single nucleotide variant.
Coding change: c.1906A>G on transcript NM_001382391.1 (MANE Select); coding-DNA position 1906, A replaced by G.
Protein change: p.Arg636Gly; replaces arginine 636 with glycine.
Molecular consequence: missense variant.
Genome position (GRCh38, 1-based): chr8:67,137,534, A>G. VCF-style: chr8-67137534-A-G. GRCh37 (hg19) VCF-style: chr8-68049769-A-G.
Other names: c.1009A>G, p.Arg337Gly (NM_001291339.2); c.1825A>G, p.Arg609Gly (NM_001363131.2); c.1864A>G, p.Arg622Gly (NM_001363132.2); c.1783A>G, p.Arg595Gly (NM_001363133.2); c.1972A>G, p.Arg658Gly (NM_001364869.1); c.1792A>G, p.Arg598Gly (NM_001364870.1); c.1891A>G, p.Arg631Gly (NM_024790.7); short protein forms R598G, R337G, R595G, R636G, R609G, R631G, R622G, R658G.
Identifiers: ClinVar variation 940339 (VCV000940339.9), dbSNP rs1212455505, ClinGen allele CA371205656.